The following is an entry in ClinVar:

ClinVar aggregate classification (germline): Pathogenic. Review status: reviewed by expert panel (3 of 4 stars). 5 submissions from 5 submitters: Pathogenic (1). 4 of the submissions do not count toward it. Last evaluated 2025-07-08.

Conditions:
RASopathy. Also called: rasopathies; Noonan spectrum disorder. Identifiers: Orphanet 536391, MedGen C5555857, MONDO:0021060.
Noonan syndrome (NS). Also called: Noonan's syndrome. Identifiers: Orphanet 648, MedGen C0028326, MeSH D009634, MONDO:0018997. Disease mechanism: gain of function.

Submissions (5):

ClinGen RASopathy Variant Curation Expert Panel
Classification: Pathogenic for RASopathy. Last evaluated: 2025-07-08. Review status: reviewed by expert panel. Criteria: ClinGen RASopathy ACMG Specifications MAP2K1 V2.3.0. Collection method: curation. Allele origin: germline. Inheritance: Autosomal dominant inheritance.
Comment: The NM_002755.4:c.608A>G variant in MAP2K1 is a missense variant predicted to cause substitution of glutamic acid by glycine at amino acid 203 (p.Glu203Gly). This variant was absent from gnomAD v2.1.1 (PM2_Supporting). The computational prediction tool REVEL gives a score of 0.785, suggesting that this variant may impact the protein (PP3). The p.Glu203Gly variant is located in the MAP2K1 gene, which has been defined by the ClinGen RASopathy Expert Panel as a gene with a low rate of benign missense variants and pathogenic missense variants are common (PP2). Furthermore, four different (likely) pathogenic variants at this residue (Glu203Gln, Glu203Lys, Glu203Val, Glu203Ala) has been identified in several patients with RASopathies (PM5_Strong). This variant has been observed in at least 4 probands with a RASopathy, of which 3 were reported as a de novo occurrence with confirmed parentage (PS2, PS4_Supporting; PMIDs: 35322241, 37600658; GeneDx, ClinVar: SCV003926006.1). In summary, this variant meets criteria to be classified as pathogenic for autosomal dominant RASopathy based on the ACMG/AMP criteria applied, as specified by the ClinGen RASopathy Variant Curation Expert Panel: PS2, PM5_Strong, PS4_Supporting, PM2_Supporting, PP2, PP3 (Specification Version 2.3, 7/8/2025)

Labcorp Genetics (formerly Invitae), Labcorp
Classification: Uncertain significance for RASopathy. Last evaluated: 2024-03-15. Review status: criteria provided, single submitter. Criteria: Invitae Variant Classification Sherloc (09022015). Collection method: clinical testing. Allele origin: germline. Not counted in ClinVar's aggregate classification.
Comment: This sequence change replaces glutamic acid, which is acidic and polar, with glycine, which is neutral and non-polar, at codon 203 of the MAP2K1 protein (p.Glu203Gly). This variant is not present in population databases (gnomAD no frequency). This missense change has been observed in individual(s) with cardio-faciocutaneous syndrome (PMID: 35322241). ClinVar contains an entry for this variant (Variation ID: 167260). Advanced modeling of protein sequence and biophysical properties (such as structural, functional, and spatial information, amino acid conservation, physicochemical variation, residue mobility, and thermodynamic stability) performed at Invitae indicates that this missense variant is not expected to disrupt MAP2K1 protein function with a negative predictive value of 80%. This variant disrupts the p.Glu203 amino acid residue in MAP2K1. Other variant(s) that disrupt this residue have been determined to be pathogenic (PMID: 18456719). This suggests that this residue is clinically significant, and that variants that disrupt this residue are likely to be disease-causing. In summary, the available evidence is currently insufficient to determine the role of this variant in disease. Therefore, it has been classified as a Variant of Uncertain Significance.

GeneDx
Classification: Pathogenic. Last evaluated: 2023-05-15. Review status: criteria provided, single submitter. Criteria: GeneDx Variant Classification Process June 2021. Collection method: clinical testing. Allele origin: germline. Affected: yes. Not counted in ClinVar's aggregate classification.
Comment: The majority of missense variants in this gene are considered pathogenic (HGMD); In silico analysis, which includes protein predictors and evolutionary conservation, supports a deleterious effect; Not observed in large population cohorts (gnomAD); Has not been previously published as pathogenic or benign to our knowledge

Service de Génétique Moléculaire, Hôpital Robert Debré
Classification: Likely pathogenic for Noonan syndrome. Review status: no assertion criteria provided. Collection method: clinical testing. Allele origin: de novo. Affected: yes. Not counted in ClinVar's aggregate classification.

Eurofins Ntd Llc (ga)
Classification: Uncertain significance. Last evaluated: 2013-11-27. Review status: flagged submission. Criteria: EGL Classification Definitions 2015. Collection method: clinical testing. Allele origin: germline. Observed: 1 variant allele, 1 heterozygote. Not counted in ClinVar's aggregate classification.
ClinVar note: Reason: Conflicts with expert reviewed submission without evidence to support different classification

Literature cited by the submitters: PubMed 35322241 (cited by Labcorp Genetics (formerly Invitae), Labcorp); PubMed 18456719 (cited by Labcorp Genetics (formerly Invitae), Labcorp).

NM_002755.4(MAP2K1):c.608A>G (p.Glu203Gly)

Gene: MAP2K1 (mitogen-activated protein kinase kinase 1; plus strand). Cytogenetic location: 15q22.31.
Variant type: single nucleotide variant.
Coding change: c.608A>G on transcript NM_002755.4 (MANE Select); coding-DNA position 608, A replaced by G.
Protein change: p.Glu203Gly; replaces glutamic acid 203 with glycine.
Molecular consequence: missense variant.
Genome position (GRCh38, 1-based): chr15:66,481,794, A>G. VCF-style: chr15-66481794-A-G. GRCh37 (hg19) VCF-style: chr15-66774132-A-G.
Other names: NM_002755.4(MAP2K1):c.608A>G; c.608A>G (NM_002755.3).
Identifiers: ClinVar variation 167260 (VCV000167260.12), dbSNP rs727503996, ClinGen allele CA234222.
Genomic context (GRCh38, chr15:66,481,794, plus strand): 5'-TCTATTTTCTCTTCCCTGCAGATGTCAAGCCCTCCAACATCCTAGTCAACTCCCGTGGGG[A>G]GATCAAGCTCTGTGACTTTGGGGTCAGCGGGCAGCTCATCGACTCCATGGCCAACTCCTT-3'
Protein context (NP_002746.1, residues 193-213): PSNILVNSRG[Glu203Gly]IKLCDFGVSG